The following is an entry in ClinVar:

ClinVar aggregate classification (germline): Uncertain significance (1 of 4 stars; one submission).

Conditions:
Oculodentodigital dysplasia, autosomal recessive. Also called: OCULODENTOOSSEOUS DYSPLASIA, AUTOSOMAL RECESSIVE; ODDD, AUTOSOMAL RECESSIVE; ODOD, AUTOSOMAL RECESSIVE. Identifiers: Orphanet 2710, MedGen C2749477, MONDO:0009768, OMIM 257850.

Submission:

Labcorp Genetics (formerly Invitae), Labcorp
Classification: Uncertain significance for Oculodentodigital dysplasia, autosomal recessive. Last evaluated: 2022-06-05. Review status: criteria provided, single submitter. Criteria: Invitae Variant Classification Sherloc (09022015). Collection method: clinical testing. Allele origin: germline.
Comment: In summary, the available evidence is currently insufficient to determine the role of this variant in disease. Therefore, it has been classified as a Variant of Uncertain Significance. Algorithms developed to predict the effect of missense changes on protein structure and function are either unavailable or do not agree on the potential impact of this missense change (SIFT: "Deleterious"; PolyPhen-2: "Probably Damaging"; Align-GVGD: "Class C0"). ClinVar contains an entry for this variant (Variation ID: 1476307). This variant has not been reported in the literature in individuals affected with GJA1-related conditions. This variant is not present in population databases (gnomAD no frequency). This sequence change replaces serine, which is neutral and polar, with threonine, which is neutral and polar, at codon 86 of the GJA1 protein (p.Ser86Thr).

NM_000165.5(GJA1):c.256T>A (p.Ser86Thr)

Gene: GJA1 (gap junction protein alpha 1; plus strand). Cytogenetic location: 6q22.31.
Variant type: single nucleotide variant.
Coding change: c.256T>A on transcript NM_000165.5 (MANE Select); coding-DNA position 256, T replaced by A.
Protein change: p.Ser86Thr; replaces serine 86 with threonine.
Molecular consequence: missense variant.
Genome position (GRCh38, 1-based): chr6:121,447,103, T>A. VCF-style: chr6-121447103-T-A. GRCh37 (hg19) VCF-style: chr6-121768249-T-A.
Other names: short protein forms S86T.
Identifiers: ClinVar variation 1476307 (VCV001476307.8), dbSNP rs2114283193, ClinGen allele CA365558426.
Genomic context (GRCh38, chr6:121,447,103, plus strand): 5'-TATGACAAGTCTTTCCCAATCTCTCATGTGCGCTTCTGGGTCCTGCAGATCATATTTGTG[T>A]CTGTACCCACACTCTTGTACCTGGCTCATGTGTTCTATGTGATGCGAAAGGAAGAGAAAC-3'
Protein context (NP_000156.1, residues 76-96): RFWVLQIIFV[Ser86Thr]VPTLLYLAHV